The following is an entry in ClinVar:

NM_014244.5(ADAMTS2):c.394G>A (p.Ala132Thr)

Gene: ADAMTS2 (ADAM metallopeptidase with thrombospondin type 1 motif 2; minus strand). Cytogenetic location: 5q35.3.
Variant type: single nucleotide variant.
Coding change: c.394G>A on transcript NM_014244.5 (MANE Select); coding-DNA position 394, G replaced by A.
Protein change: p.Ala132Thr; replaces alanine 132 with threonine.
Molecular consequence: missense variant.
Genome position (GRCh38, 1-based): chr5:179,343,907, C>T on the plus strand (G>A on the coding strand, the complement: ADAMTS2 is on the minus strand). VCF-style: chr5-179343907-C-T. GRCh37 (hg19) VCF-style: chr5-178770908-C-T.
Other names: c.394G>A, p.Ala132Thr (NM_021599.4); short protein forms A132T.
Identifiers: ClinVar variation 659929 (VCV000659929.7), dbSNP rs774483457, ClinGen allele CA3596334.

ClinVar aggregate classification (germline): Uncertain significance. Review status: criteria provided, multiple submitters, no conflicts (2 of 4 stars). 2 submissions from 2 submitters: Uncertain significance (2). Last evaluated 2025-04-23.

Conditions:
Ehlers-Danlos syndrome, dermatosparaxis type. Also called: Dermatosparaxis; EDS VIIC; Ehlers-Danlos syndrome, type VII, autosomal recessive. Identifiers: Orphanet 1901, MedGen C2700425, MONDO:0009161, OMIM 225410.

Allele frequency attached by ClinVar (database versions not stated): gnomAD exomes below 0.00001 and 0.00001; ExAC 0.00001; gnomAD 0.00001; TOPMed 0.00001.
gnomAD v4.1: 22 of 1,605,654 alleles (0.0014%); highest among the groups gnomAD compares: Non-Finnish European, 0.0018%; no homozygotes.

Submissions (2):

GeneDx
Classification: Uncertain significance. Last evaluated: 2025-04-23. Review status: criteria provided, single submitter. Criteria: GeneDx Variant Classification Process June 2021. Collection method: clinical testing. Allele origin: germline. Affected: yes.
Comment: Not observed at significant frequency in large population cohorts (gnomAD); In silico analysis indicates that this missense variant does not alter protein structure/function; Has not been previously published as pathogenic or benign to our knowledge

Labcorp Genetics (formerly Invitae), Labcorp
Classification: Uncertain significance for Ehlers-Danlos syndrome, dermatosparaxis type. Last evaluated: 2021-08-27. Review status: criteria provided, single submitter. Criteria: Invitae Variant Classification Sherloc (09022015). Collection method: clinical testing. Allele origin: germline.
Comment: This sequence change replaces alanine with threonine at codon 132 of the ADAMTS2 protein (p.Ala132Thr). The alanine residue is highly conserved and there is a small physicochemical difference between alanine and threonine. This variant is present in population databases (rs774483457, ExAC 0.002%). This variant has not been reported in the literature in individuals affected with ADAMTS2-related conditions. Algorithms developed to predict the effect of missense changes on protein structure and function are either unavailable or do not agree on the potential impact of this missense change (SIFT: "Deleterious"; PolyPhen-2: "Probably Damaging"; Align-GVGD: "Class C0"). In summary, the available evidence is currently insufficient to determine the role of this variant in disease. Therefore, it has been classified as a Variant of Uncertain Significance.